The following is an entry in ClinVar:

NM_005573.4(LMNB1):c.382C>G (p.Leu128Val)

Gene: LMNB1 (lamin B1; plus strand). Cytogenetic location: 5q23.2.
Variant type: single nucleotide variant.
Coding change: c.382C>G on transcript NM_005573.4 (MANE Select); coding-DNA position 382, C replaced by G.
Protein change: p.Leu128Val; replaces leucine 128 with valine.
Molecular consequence: missense variant. On other transcripts: 5 prime UTR variant (1), non-coding transcript variant (2).
Genome position (GRCh38, 1-based): chr5:126,804,798, C>G. VCF-style: chr5-126804798-C-G. GRCh37 (hg19) VCF-style: chr5-126140490-C-G.
Other names: c.-249C>G (NM_001198557.2); short protein forms L128V.
Identifiers: ClinVar variation 3234997 (VCV003234997.1), dbSNP rs2479497244, ClinGen allele CA360716566.
Genomic context (GRCh38, chr5:126,804,798, plus strand): 5'-TATGGTTTGATGTCTTATGCTTTTTAAATCTGTTCCAGCTATGCTAAGAAGGAATCTGAT[C>G]TTAATGGCGCCCAGATCAAGCTTCGAGAATATGAAGCAGCACTGAATTCGAAAGATGCAG-3'
Protein context (NP_005564.1, residues 118-138): LLNYAKKESD[Leu128Val]NGAQIKLREY

ClinVar aggregate classification (germline): Uncertain significance (1 of 4 stars; one submission).

Conditions:
Microcephaly 26, primary, autosomal dominant. Identifiers: MedGen C5543048, MONDO:0030928, OMIM 619179.

Submission:

Neuberg Centre For Genomic Medicine, NCGM
Classification: Uncertain significance for Microcephaly 26, primary, autosomal dominant. Review status: criteria provided, single submitter. Criteria: ACMG Guidelines, 2015. Collection method: clinical testing. Allele origin: germline. Inheritance: Autosomal dominant inheritance. Affected: yes.
Comment: The missense c.382C>G p.Leu128Val variant in LMNB1 gene has not been reported previously as a pathogenic variant nor as a benign variant, to our knowledge. The p.Leu128Val variant is novel not in any individuals in both gnomAD Exomes and 1000 Genomes databases. This variant has not been reported to the ClinVar database. The amino acid change p.Leu128Val in LMNB1 is predicted as conserved by GERP++ and PhyloP across 100 vertebrates. The amino acid Leu at position 128 is changed to a Val changing protein sequence and it might alter its composition and physico-chemical properties. For these reasons, this variant has been classified as a Variant of Uncertain Significance VUS.